The following is an entry in ClinVar:

NM_001172509.2(SATB2):c.638A>G (p.Asn213Ser)

Gene: SATB2 (SATB homeobox 2; minus strand). Cytogenetic location: 2q33.1.
Variant type: single nucleotide variant.
Coding change: c.638A>G on transcript NM_001172509.2 (MANE Select); coding-DNA position 638, A replaced by G.
Protein change: p.Asn213Ser; replaces asparagine 213 with serine.
Molecular consequence: missense variant.
Genome position (GRCh38, 1-based): chr2:199,368,667, T>C on the plus strand (A>G on the coding strand, the complement: SATB2 is on the minus strand). VCF-style: chr2-199368667-T-C. GRCh37 (hg19) VCF-style: chr2-200233390-T-C.
Other names: c.638A>G, p.Asn213Ser (NM_001172517.1, NM_015265.4); short protein forms N213S.
Identifiers: ClinVar variation 649561 (VCV000649561.9), dbSNP rs1371535617, ClinGen allele CA350387480.

ClinVar aggregate classification (germline): Uncertain significance (1 of 4 stars; one submission).

Conditions:
Chromosome 2q32-q33 deletion syndrome (GLASS). Also called: Glass syndrome; 2q33.1 deletion syndrome. Identifiers: Orphanet 251019, MedGen C2676739, MONDO:0012864, OMIM 612313.

Allele frequency attached by ClinVar (database versions not stated): TOPMed below 0.00001; gnomAD 0.00001.

Submission:

Labcorp Genetics (formerly Invitae), Labcorp
Classification: Uncertain significance for Chromosome 2q32-q33 deletion syndrome. Last evaluated: 2018-08-18. Review status: criteria provided, single submitter. Criteria: Invitae Variant Classification Sherloc (09022015). Collection method: clinical testing. Allele origin: germline.
Comment: This sequence change replaces asparagine with serine at codon 213 of the SATB2 protein (p.Asn213Ser). The asparagine residue is moderately conserved and there is a small physicochemical difference between asparagine and serine. This variant is not present in population databases (ExAC no frequency). This variant has not been reported in the literature in individuals with SATB2-related disease. Algorithms developed to predict the effect of missense changes on protein structure and function are either unavailable or do not agree on the potential impact of this missense change (SIFT: "Tolerated"; PolyPhen-2: "Possibly Damaging"; Align-GVGD: "Class C0"). Algorithms developed to predict the effect of sequence changes on RNA splicing suggest that this variant may create or strengthen a splice site, but this prediction has not been confirmed by published transcriptional studies. In summary, the available evidence is currently insufficient to determine the role of this variant in disease. Therefore, it has been classified as a Variant of Uncertain Significance.